The following is an entry in ClinVar:

ClinVar aggregate classification (germline): Uncertain significance (1 of 4 stars; one submission).

Submission:

GeneDx
Classification: Uncertain significance. Last evaluated: 2020-10-06. Review status: criteria provided, single submitter. Criteria: GeneDx Variant Classification Process June 2021. Collection method: clinical testing. Allele origin: germline. Affected: yes.
Comment: Not observed in large population cohorts (Lek et al., 2016); In-frame deletion of 1 amino acid in a non-repeat region; In silico analysis supports that this variant does not alter protein structure/function; Has not been previously published as pathogenic or benign to our knowledge

NM_024496.4(IRF2BPL):c.222_225delinsT (p.Pro75del)

Genes: IRF2BPL (interferon regulatory factor 2 binding protein like; minus strand), LOC107984638 (uncharacterized LOC107984638; plus strand). Cytogenetic location: 14q24.3.
Variant type: Indel.
Coding change: c.222_225delinsT on transcript NM_024496.4 (MANE Select); coding-DNA positions 222 to 225, GCCC replaced by T.
Protein change: p.Pro75del; deletes proline 75.
Molecular consequence: inframe deletion.
Genome position (GRCh38, 1-based): chr14:77,027,568-77,027,571, GGGC replaced by A on the plus strand (GCCC replaced by T on the coding strand, the reverse complement: IRF2BPL is on the minus strand). VCF-style: chr14-77027568-GGGC-A. GRCh37 (hg19) VCF-style: chr14-77493911-GGGC-A.
Other names: short protein forms P75del.
Identifiers: ClinVar variation 1313223 (VCV001313223.2), dbSNP rs2139977238, ClinGen allele CA2573053945.
Genomic context (GRCh38, chr14:77,027,568, plus strand): 5'-CGCTGCTGCCGCCGCCGCCGCCGCTTCCTTAGCCGACAGGGCCACTGTCTTGACCCCGAC[GGGC>A]GGCGGCGGCCCGGGGGAGCGGCCGTCCTGGAAGCAGCCGTGCGCCCGCTTCAGCTGGCGC-3'